The following is an entry in ClinVar:

NM_001374736.1(DST):c.3865C>T (p.Arg1289Trp)

Gene: DST (dystonin; minus strand). Cytogenetic location: 6p12.1.
Variant type: single nucleotide variant.
Coding change: c.3865C>T on transcript NM_001374736.1 (MANE Select); coding-DNA position 3865, C replaced by T.
Protein change: p.Arg1289Trp; replaces arginine 1289 with tryptophan.
Molecular consequence: missense variant.
Genome position (GRCh38, 1-based): chr6:56,631,981, G>A on the plus strand (C>T on the coding strand, the complement: DST is on the minus strand). VCF-style: chr6-56631981-G-A. GRCh37 (hg19) VCF-style: chr6-56496779-G-A.
Other names: c.3766C>T, p.Arg1256Trp (NM_001144769.5); c.3352C>T, p.Arg1118Trp (NM_001144770.2); c.3865C>T, p.Arg1289Trp (NM_001374722.1); c.3232C>T, p.Arg1078Trp (NM_001374729.1, NM_001374730.1, NM_001386100.1 and 1 more transcripts); c.3892C>T, p.Arg1298Trp (NM_001374734.1); c.2254C>T, p.Arg752Trp (NM_001723.7, NM_015548.5); short protein forms R752W, R1078W, R1289W, R1298W, R1118W, R1256W.
Identifiers: ClinVar variation 4977194 (VCV004977194.1).
Genomic context (GRCh38, chr6:56,631,981, plus strand): 5'-CATCTCTTTCCAGGGGAGTTCGAATCTGTCTAATCAGCCGATCTTCACAGTTCTCTAACC[G>A]AAGTCTAATGTTTCGAACTTCAGAGATGTAGAGATTATAAACTGATTCCTCTTGCTCCTC-3'
Protein context (NP_001361665.1, residues 1279-1299): YISEVRNIRL[Arg1289Trp]LENCEDRLIR

ClinVar aggregate classification (germline): Uncertain significance (1 of 4 stars; one submission).

Conditions:
DST-related disorder. Also called: DST-related condition; DST-related disorders.

gnomAD v4.1: 18 of 1,613,284 alleles (0.0011%); highest among the groups gnomAD compares: African/African-American, 0.0027%; no homozygotes.

Submission:

PreventionGenetics, part of Exact Sciences
Classification: Uncertain significance for DST-related condition. Last evaluated: 2025-09-07. Review status: criteria provided, single submitter. Criteria: ACMG Guidelines, 2015. Collection method: clinical testing. Allele origin: germline.
Comment: The DST c.3766C>T variant is predicted to result in the amino acid substitution p.Arg1256Trp. To our knowledge, this variant has not been reported in the literature. This variant is reported in 0.00088% of alleles in individuals of European (non-Finnish) descent in gnomAD. At this time, the clinical significance of this variant is uncertain due to the absence of conclusive functional and genetic evidence.